The following is an entry in ClinVar:

ClinVar aggregate classification (germline): Uncertain significance. Review status: criteria provided, multiple submitters, no conflicts (2 of 4 stars). 2 submissions from 2 submitters: Uncertain significance (2). Last evaluated 2024-05-28.

Allele frequency attached by ClinVar (database versions not stated): gnomAD exomes 0.00003 and 0.00004; ExAC 0.00005; ESP Exome Variant Server 0.00016; 1000 Genomes Project 0.00020; gnomAD 0.00021 and 0.00023; TOPMed 0.00023; 1000 Genomes Project 30x 0.00031.

Submissions (2):

Ambry Genetics
Classification: Uncertain significance. Last evaluated: 2024-05-28. Review status: criteria provided, single submitter. Criteria: Ambry Variant Classification Scheme 2023. Collection method: clinical testing. Allele origin: germline.

Labcorp Genetics (formerly Invitae), Labcorp
Classification: Uncertain significance. Last evaluated: 2022-10-24. Review status: criteria provided, single submitter. Criteria: Invitae Variant Classification Sherloc (09022015). Collection method: clinical testing. Allele origin: germline.
Comment: This sequence change replaces threonine, which is neutral and polar, with asparagine, which is neutral and polar, at codon 45 of the RASGRP1 protein (p.Thr45Asn). This variant is present in population databases (rs377526732, gnomAD 0.09%). This variant has not been reported in the literature in individuals affected with RASGRP1-related conditions. ClinVar contains an entry for this variant (Variation ID: 1383931). Algorithms developed to predict the effect of missense changes on protein structure and function are either unavailable or do not agree on the potential impact of this missense change (SIFT: "Deleterious"; PolyPhen-2: "Benign"; Align-GVGD: "Class C0"). In summary, the available evidence is currently insufficient to determine the role of this variant in disease. Therefore, it has been classified as a Variant of Uncertain Significance.

NM_005739.4(RASGRP1):c.134C>A (p.Thr45Asn)

Gene: RASGRP1 (RAS guanyl releasing protein 1; minus strand). Cytogenetic location: 15q14.
Variant type: single nucleotide variant.
Coding change: c.134C>A on transcript NM_005739.4 (MANE Select); coding-DNA position 134, C replaced by A.
Protein change: p.Thr45Asn; replaces threonine 45 with asparagine.
Molecular consequence: missense variant.
Genome position (GRCh38, 1-based): chr15:38,559,907, G>T on the plus strand (C>A on the coding strand, the complement: RASGRP1 is on the minus strand). VCF-style: chr15-38559907-G-T. GRCh37 (hg19) VCF-style: chr15-38852108-G-T.
Other names: c.134C>A, p.Thr45Asn (NM_001128602.2, NM_001306086.2); c.134C>A (NM_005739.3); short protein forms T45N.
Identifiers: ClinVar variation 1383931 (VCV001383931.4), dbSNP rs377526732, ClinGen allele CA7471198.
Genomic context (GRCh38, chr15:38,559,907, plus strand): 5'-AGATCGTCCAGGCTGGCTCCTTTGGCTAAATGTCCCAGAGACACCATCATTCGGAACTGG[G>T]TGATGTGGGCCAAGCTGGGATGGGAGGGGAAGGGGCTGTTGGCTGGCTTTGCCTCTAGTC-3'
Protein context (NP_005730.2, residues 35-55): FPSHPSLAHI[Thr45Asn]QFRMMVSLGH